The following is an entry in ClinVar:

NM_002234.4(KCNA5):c.1521del (p.Ile508fs)

Gene: KCNA5 (potassium voltage-gated channel subfamily A member 5; plus strand). Cytogenetic location: 12p13.32.
Variant type: Deletion.
Coding change: c.1521del on transcript NM_002234.4 (MANE Select); coding-DNA position 1521, one base deleted (C; older notation c.1521delC).
Protein change: p.Ile508fs; shifts the reading frame from isoleucine 508.
Molecular consequence: frameshift variant.
Genome position (GRCh38, 1-based): chr12:5,045,668, C deleted; the last of 2 consecutive C bases (chr12:5,045,667-5,045,668); deleting either gives the same sequence. VCF-style (leftmost placement, unchanged base first): chr12-5045666-AC-A. GRCh37 (hg19) VCF-style: chr12-5154832-AC-A.
Other names: c.1521del (NM_002234.2); short protein forms I508fs.
Identifiers: ClinVar variation 1333883 (VCV001333883.2), dbSNP rs2137773661, ClinGen allele CA2573053695.

ClinVar aggregate classification (germline): Uncertain significance. Review status: criteria provided, multiple submitters, no conflicts (2 of 4 stars). 2 submissions from 2 submitters: Uncertain significance (2). Last evaluated 2023-02-13.

Conditions:
Atrial fibrillation, familial, 7 (ATFB7). Identifiers: MedGen C2677106, MONDO:0012828, OMIM 612240.

Submissions (2):

GeneDx
Classification: Uncertain significance. Last evaluated: 2023-02-13. Review status: criteria provided, single submitter. Criteria: GeneDx Variant Classification Process June 2021. Collection method: clinical testing. Allele origin: germline. Affected: yes.
Comment: Not observed at significant frequency in large population cohorts (gnomAD); Frameshift variant predicted to result in protein truncation as the last 106 amino acids are replaced with 75 different amino acids, although loss-of-function variants have not been reported downstream of this position in the protein; Has not been previously published as pathogenic or benign to our knowledge

CENTOGENE GmbH and LLC - Guiding Precision Medicine
Classification: Uncertain significance for Atrial fibrillation, familial, 7. Last evaluated: 2020-05-13. Review status: criteria provided, single submitter. Criteria: ACMG Guidelines, 2015. Collection method: clinical testing. Allele origin: germline. Affected: yes.